The following is an entry in ClinVar:

NM_001199138.2(NLRC4):c.1384C>T (p.His462Tyr)

Gene: NLRC4 (NLR family CARD domain containing 4; minus strand). Cytogenetic location: 2p22.3.
Variant type: single nucleotide variant.
Coding change: c.1384C>T on transcript NM_001199138.2 (MANE Select); coding-DNA position 1384, C replaced by T.
Protein change: p.His462Tyr; replaces histidine 462 with tyrosine.
Molecular consequence: missense variant. On other transcripts: intron variant (1).
Genome position (GRCh38, 1-based): chr2:32,250,480, G>A on the plus strand (C>T on the coding strand, the complement: NLRC4 is on the minus strand). VCF-style: chr2-32250480-G-A. GRCh37 (hg19) VCF-style: chr2-32475549-G-A.
Other names: c.1384C>T, p.His462Tyr (NM_001199139.2, NM_021209.5); c.262+1939C>T (NM_001302504.1); short protein forms H462Y.
Identifiers: ClinVar variation 2939998 (VCV002939998.3), dbSNP rs145004380, ClinGen allele CA44752569.

ClinVar aggregate classification (germline): Uncertain significance (1 of 4 stars; one submission).

Conditions:
Periodic fever-infantile enterocolitis-autoinflammatory syndrome. Also called: Autoinflammation with infantile enterocolitis. Identifiers: Orphanet 436166, MedGen C4015067, MONDO:0014472, OMIM 616050.
Familial cold autoinflammatory syndrome 4 (FCAS4). Identifiers: Orphanet 47045, Orphanet 576349, MedGen C4015276, MONDO:0014498, OMIM 616115.

Allele frequency attached by ClinVar (database versions not stated): gnomAD 0.00001; TOPMed 0.00001; ESP Exome Variant Server 0.00008.
gnomAD v4.1: 1 of 1,614,082 alleles (0.000062%); highest among the groups gnomAD compares: African/African-American, 0.0013%; no homozygotes.

Submission:

Labcorp Genetics (formerly Invitae), Labcorp
Classification: Uncertain significance for Periodic fever-infantile enterocolitis-autoinflammatory syndrome; Familial cold autoinflammatory syndrome 4. Last evaluated: 2023-12-09. Review status: criteria provided, single submitter. Criteria: Invitae Variant Classification Sherloc (09022015). Collection method: clinical testing. Allele origin: germline.
Comment: This sequence change replaces histidine, which is basic and polar, with tyrosine, which is neutral and polar, at codon 462 of the NLRC4 protein (p.His462Tyr). This variant is not present in population databases (gnomAD no frequency). This variant has not been reported in the literature in individuals affected with NLRC4-related conditions. Advanced modeling of protein sequence and biophysical properties (such as structural, functional, and spatial information, amino acid conservation, physicochemical variation, residue mobility, and thermodynamic stability) performed at Invitae indicates that this missense variant is not expected to disrupt NLRC4 protein function with a negative predictive value of 80%. In summary, the available evidence is currently insufficient to determine the role of this variant in disease. Therefore, it has been classified as a Variant of Uncertain Significance.